The following is an entry in ClinVar:

ClinVar aggregate classification (germline): Likely benign. Review status: criteria provided, multiple submitters, no conflicts (2 of 4 stars). 3 submissions from 3 submitters: Likely benign (2). 1 of the submissions does not count toward it. Last evaluated 2025-09-01.

Conditions:
FOXF1-related disorder. Also called: FOXF1-related condition.

Allele frequency attached by ClinVar (database versions not stated): ExAC below 0.00001; 1000 Genomes Project 30x 0.00016; TOPMed 0.00023 and 0.00025; gnomAD exomes 0.00031 and 0.00059; gnomAD 0.00054 and 0.00075.
gnomAD v4.1: 775 of 1,356,854 alleles (0.057%); highest among the groups gnomAD compares: Non-Finnish European, 0.054%; no homozygotes.

Submissions (3):

CeGaT Center for Human Genetics Tuebingen
Classification: Likely benign. Last evaluated: 2025-09-01. Review status: criteria provided, single submitter. Criteria: CeGaT Center For Human Genetics Tuebingen Variant Classification Criteria Version 2. Collection method: clinical testing. Allele origin: germline. Affected: yes. Observed: 1 variant allele.
Comment: FOXF1: BP4

Blueprint Genetics
Classification: Likely benign. Last evaluated: 2024-10-01. Review status: criteria provided, single submitter. Criteria: ACMG Guidelines, 2015. Collection method: clinical testing. Allele origin: germline.

PreventionGenetics, part of Exact Sciences
Classification: Likely benign for FOXF1-related condition. Last evaluated: 2020-02-25. Review status: no assertion criteria provided. Collection method: clinical testing. Allele origin: germline. Not counted in ClinVar's aggregate classification.
Comment: This variant is classified as likely benign based on ACMG/AMP sequence variant interpretation guidelines (Richards et al. 2015 PMID: 25741868, with internal and published modifications).

NM_001451.3(FOXF1):c.-4C>T

Gene: FOXF1 (forkhead box F1; plus strand). Cytogenetic location: 16q24.1.
Variant type: single nucleotide variant.
Coding change: c.-4C>T on transcript NM_001451.3 (MANE Select); 4 bases upstream of the start codon, C replaced by T.
Molecular consequence: 5 prime UTR variant.
Genome position (GRCh38, 1-based): chr16:86,510,566, C>T. VCF-style: chr16-86510566-C-T. GRCh37 (hg19) VCF-style: chr16-86544172-C-T.
Identifiers: ClinVar variation 3050972 (VCV003050972.10), dbSNP rs752749806, ClinGen allele CA8217334.